The following is an entry in ClinVar:

ClinVar aggregate classification (germline): Pathogenic (1 of 4 stars; one submission).

Conditions:
Fanconi anemia (FA). Also called: Fanconi's anemia. Identifiers: Orphanet 84, MedGen C0015625, MeSH D005199, MONDO:0019391.

Submission:

Labcorp Genetics (formerly Invitae), Labcorp
Classification: Pathogenic for Fanconi anemia. Last evaluated: 2020-06-07. Review status: criteria provided, single submitter. Criteria: Invitae Variant Classification Sherloc (09022015). Collection method: clinical testing. Allele origin: germline.
Comment: For these reasons, this variant has been classified as Pathogenic. This sequence change creates a premature translational stop signal (p.Glu1029*) in the FANCA gene. It is expected to result in an absent or disrupted protein product. This variant is not present in population databases (ExAC no frequency). This variant has not been reported in the literature in individuals with FANCA-related conditions. ClinVar contains an entry for this variant (Variation ID: 456108). Loss-of-function variants in FANCA are known to be pathogenic (PMID: 19367192).

Literature cited by the submitters: PubMed 19367192.

NM_000135.4(FANCA):c.3085G>T (p.Glu1029Ter)

Gene: FANCA (FA complementation group A; minus strand). Cytogenetic location: 16q24.3.
Variant type: single nucleotide variant.
Coding change: c.3085G>T on transcript NM_000135.4 (MANE Select); coding-DNA position 3085, G replaced by T.
Protein change: p.Glu1029Ter; replaces glutamic acid 1029 with a stop codon.
Molecular consequence: nonsense.
Genome position (GRCh38, 1-based): chr16:89,749,884, C>A on the plus strand (G>T on the coding strand, the complement: FANCA is on the minus strand). VCF-style: chr16-89749884-C-A. GRCh37 (hg19) VCF-style: chr16-89816292-C-A.
Other names: c.3085G>T, p.Glu1029Ter (NM_001286167.3); c.3085G>T (LRG_495t1); short protein forms E1029*.
Identifiers: ClinVar variation 456108 (VCV000456108.8), dbSNP rs1555538740, ClinGen allele CA397486730.